The following is an entry in ClinVar:

NM_006231.4(POLE):c.1915C>T (p.Arg639Cys)

Gene: POLE (DNA polymerase epsilon, catalytic subunit; minus strand). Cytogenetic location: 12q24.33.
Variant type: single nucleotide variant.
Coding change: c.1915C>T on transcript NM_006231.4 (MANE Select); coding-DNA position 1915, C replaced by T.
Protein change: p.Arg639Cys; replaces arginine 639 with cysteine.
Molecular consequence: missense variant.
Genome position (GRCh38, 1-based): chr12:132,668,819, G>A on the plus strand (C>T on the coding strand, the complement: POLE is on the minus strand). VCF-style: chr12-132668819-G-A. GRCh37 (hg19) VCF-style: chr12-133245405-G-A.
Other names: c.1915C>T (NM_006231.2); short protein forms R639C.
Identifiers: ClinVar variation 934019 (VCV000934019.18), dbSNP rs1565966539, ClinGen allele CA387355281.

ClinVar aggregate classification (germline): Uncertain significance. Review status: criteria provided, multiple submitters, no conflicts (2 of 4 stars). 5 submissions from 5 submitters: Uncertain significance (5). Last evaluated 2026-06-22.

Conditions:
Intrauterine growth retardation, metaphyseal dysplasia, adrenal hypoplasia congenita, genital anomalies, and immunodeficiency. Also called: IMAGEI SYNDROME. Identifiers: MedGen C5193036, MONDO:0032684, OMIM 618336.
Colorectal cancer, susceptibility to, 12 (CRCS12). Also called: COLORECTAL CANCER, SUSCEPTIBILITY TO, ON CHROMOSOME 12q24. Identifiers: Orphanet 220460, MedGen C3554460, MONDO:0014038, OMIM 615083.
Facial dysmorphism-immunodeficiency-livedo-short stature syndrome. Also called: Facial dysmorphism, immunodeficiency, livedo, and short stature; FILS syndrome. Identifiers: Orphanet 352712, MedGen C3554576, MONDO:0014058, OMIM 615139.
Hereditary cancer-predisposing syndrome. Also called: Neoplastic Syndromes, Hereditary; Hereditary Cancer Syndrome; Tumor predisposition; Hereditary neoplastic syndrome. Identifiers: Orphanet 140162, MedGen C0027672, MeSH D009386, MONDO:0015356.
POLE-related disorder. Also called: POLE-related disorders; POLE-related condition.

Allele frequency attached by ClinVar (database versions not stated): gnomAD exomes below 0.00001; TOPMed 0.00001.

Submissions (5):

PreventionGenetics, part of Exact Sciences
Classification: Uncertain significance for POLE-related condition. Last evaluated: 2026-06-22. Review status: criteria provided, single submitter. Criteria: ACMG Guidelines, 2015. Collection method: clinical testing. Allele origin: germline.
Comment: The POLE c.1915C>T variant is predicted to result in the amino acid substitution p.Arg639Cys. To our knowledge, this variant has not been reported in the literature. This variant is reported in 0.00088% of alleles in individuals of European (Non-Finnish) descent in gnomAD. This variant is interpreted as uncertain in ClinVar (Variation ID: 934019). At this time, the clinical significance of this variant is uncertain due to the absence of conclusive functional and genetic evidence.

Labcorp Genetics (formerly Invitae), Labcorp
Classification: Uncertain significance. Last evaluated: 2025-11-26. Review status: criteria provided, single submitter. Criteria: Invitae Variant Classification Sherloc (09022015). Collection method: clinical testing. Allele origin: germline.
Comment: This sequence change replaces arginine, which is basic and polar, with cysteine, which is neutral and slightly polar, at codon 639 of the POLE protein (p.Arg639Cys). This variant is not present in population databases (gnomAD no frequency). This variant has not been reported in the literature in individuals affected with POLE-related conditions. ClinVar contains an entry for this variant (Variation ID: 934019). Invitae Evidence Modeling of protein sequence and biophysical properties (such as structural, functional, and spatial information, amino acid conservation, physicochemical variation, residue mobility, and thermodynamic stability) indicates that this missense variant is expected to disrupt POLE protein function with a positive predictive value of 80%. In summary, the available evidence is currently insufficient to determine the role of this variant in disease. Therefore, it has been classified as a Variant of Uncertain Significance.

Ambry Genetics
Classification: Uncertain significance for Hereditary cancer-predisposing syndrome. Last evaluated: 2025-07-08. Review status: criteria provided, single submitter. Criteria: Ambry Variant Classification Scheme 2023. Collection method: clinical testing. Allele origin: germline.
Comment: The p.R639C variant (also known as c.1915C>T), located in coding exon 17 of the POLE gene, results from a C to T substitution at nucleotide position 1915. The arginine at codon 639 is replaced by cysteine, an amino acid with highly dissimilar properties. This amino acid position is highly conserved in available vertebrate species. In addition, the in silico prediction for this alteration is inconclusive. Based on the available evidence, the clinical significance of this variant remains unclear.

Center for Genomic Medicine, Rigshospitalet, Copenhagen University Hospital
Classification: Uncertain significance. Last evaluated: 2025-03-04. Review status: criteria provided, single submitter. Criteria: ACMG Guidelines, 2015. Collection method: clinical testing. Allele origin: germline.

Fulgent Genetics
Classification: Uncertain significance for Colorectal cancer, susceptibility to, 12; Facial dysmorphism-immunodeficiency-livedo-short stature syndrome; Intrauterine growth retardation, metaphyseal dysplasia, adrenal hypoplasia congenita, genital anomalies, and immunodeficiency. Last evaluated: 2022-05-25. Review status: criteria provided, single submitter. Criteria: ACMG Guidelines, 2015. Collection method: clinical testing. Allele origin: unknown.